The following is an entry in ClinVar:

ClinVar aggregate classification (germline): Uncertain significance (1 of 4 stars; one submission).

Conditions:
Epidermolysis bullosa simplex 3, localized or generalized intermediate, with BP230 deficiency (EBS3). Also called: Epidermolysis bullosa simplex due to BP230 deficiency; Epidermolysis bullosa simplex, autosomal recessive 2. Identifiers: Orphanet 412181, MedGen C3809470, MONDO:0014180, OMIM 615425.
Hereditary sensory and autonomic neuropathy type 6. Also called: Neuropathy, hereditary sensory and autonomic, type VI; HSAN VI. Identifiers: Orphanet 314381, MedGen C3539003, MONDO:0013839, OMIM 614653.

Allele frequency attached by ClinVar (database versions not stated): gnomAD exomes 0.00001 and 0.00002; TOPMed 0.00001; gnomAD 0.00002 and 0.00003; ExAC 0.00003.
gnomAD v4.1: 12 of 1,613,956 alleles (0.00074%); highest among the groups gnomAD compares: Middle Eastern, 0.016%; no homozygotes.

Submission:

Labcorp Genetics (formerly Invitae), Labcorp
Classification: Uncertain significance for Epidermolysis bullosa simplex 3, localized or generalized intermediate, with BP230 deficiency; Hereditary sensory and autonomic neuropathy type 6. Last evaluated: 2021-08-26. Review status: criteria provided, single submitter. Criteria: Invitae Variant Classification Sherloc (09022015). Collection method: clinical testing. Allele origin: germline.
Comment: This sequence change replaces asparagine with serine at codon 1264 of the DST protein (p.Asn1264Ser). The asparagine residue is weakly conserved and there is a small physicochemical difference between asparagine and serine. This variant is present in population databases (rs752271435, ExAC 0.02%). This variant has not been reported in the literature in individuals affected with DST-related conditions. Algorithms developed to predict the effect of missense changes on protein structure and function (SIFT, PolyPhen-2, Align-GVGD) all suggest that this variant is likely to be tolerated. In summary, the available evidence is currently insufficient to determine the role of this variant in disease. Therefore, it has been classified as a Variant of Uncertain Significance.

NM_001723.7(DST):c.3791A>G (p.Asn1264Ser)

Gene: DST (dystonin; minus strand). Cytogenetic location: 6p12.1.
Variant type: single nucleotide variant.
Coding change: c.3791A>G on transcript NM_001723.7 (MANE Plus Clinical); coding-DNA position 3791, A replaced by G.
Protein change: p.Asn1264Ser; replaces asparagine 1264 with serine.
Molecular consequence: missense variant. On other transcripts: intron variant (10).
Genome position (GRCh38, 1-based): chr6:56,620,243, T>C on the plus strand (A>G on the coding strand, the complement: DST is on the minus strand). VCF-style: chr6-56620243-T-C. GRCh37 (hg19) VCF-style: chr6-56485041-T-C.
Other names: c.4830+4287A>G (NM_001144769.5); c.4929+4287A>G (NM_001374722.1, NM_001374736.1); c.4956+4287A>G (NM_001374734.1); c.4416+4287A>G (NM_001144770.2); c.4296+4287A>G (NM_001374730.1, NM_001386100.1, NM_183380.4 and 1 more transcripts); c.3318+4287A>G (NM_015548.5); short protein forms N1264S.
Identifiers: ClinVar variation 960955 (VCV000960955.7), dbSNP rs752271435, ClinGen allele CA3870650.